The following is an entry in ClinVar:

ClinVar aggregate classification (germline): Uncertain significance (1 of 4 stars; one submission).

gnomAD v4.1: 17 of 1,614,054 alleles (0.0011%); highest among the groups gnomAD compares: Non-Finnish European, 0.0014%; no homozygotes.

Submission:

Women's Health and Genetics/Laboratory Corporation of America, LabCorp
Classification: Uncertain significance. Last evaluated: 2025-04-22. Review status: criteria provided, single submitter. Criteria: LabCorp Variant Classification Summary - May 2015. Collection method: clinical testing. Allele origin: germline.
Comment: Variant summary: ABCA1 c.2105T>C (p.Val702Ala) results in a non-conservative amino acid change in the encoded protein sequence. Three of five in-silico tools predict a benign effect of the variant on protein function. The variant allele was found at a frequency of 4e-06 in 251258 control chromosomes. The available data on variant occurrences in the general population are insufficient to allow any conclusion about variant significance. To our knowledge, no occurrence of c.2105T>C in individuals affected with Tangier Disease and no experimental evidence demonstrating its impact on protein function have been reported. No submitters have cited clinical-significance assessments for this variant to ClinVar. Based on the evidence outlined above, the variant was classified as uncertain significance.

NM_005502.4(ABCA1):c.2105T>C (p.Val702Ala)

Gene: ABCA1 (ATP binding cassette subfamily A member 1; minus strand). Cytogenetic location: 9q31.1.
Variant type: single nucleotide variant.
Coding change: c.2105T>C on transcript NM_005502.4 (MANE Select); coding-DNA position 2105, T replaced by C.
Protein change: p.Val702Ala; replaces valine 702 with alanine.
Molecular consequence: missense variant.
Genome position (GRCh38, 1-based): chr9:104,828,926, A>G on the plus strand (T>C on the coding strand, the complement: ABCA1 is on the minus strand). VCF-style: chr9-104828926-A-G. GRCh37 (hg19) VCF-style: chr9-107591207-A-G.
Other names: short protein forms V702A.
Identifiers: ClinVar variation 3896135 (VCV003896135.2).